The following is an entry in ClinVar:

ClinVar aggregate classification (germline): Uncertain significance (1 of 4 stars; one submission).

Submission:

GeneDx
Classification: Uncertain significance. Last evaluated: 2024-08-30. Review status: criteria provided, single submitter. Criteria: GeneDx Variant Classification Process June 2021. Collection method: clinical testing. Allele origin: germline. Affected: yes.
Comment: Not observed at significant frequency in large population cohorts (gnomAD); In silico analysis supports that this missense variant has a deleterious effect on protein structure/function; Has not been previously published as pathogenic or benign to our knowledge

NM_014491.4(FOXP2):c.1682G>A (p.Cys561Tyr)

Gene: FOXP2 (forkhead box P2; plus strand). Cytogenetic location: 7q31.1.
Variant type: single nucleotide variant.
Coding change: c.1682G>A on transcript NM_014491.4 (MANE Select); coding-DNA position 1682, G replaced by A.
Protein change: p.Cys561Tyr; replaces cysteine 561 with tyrosine.
Molecular consequence: missense variant. On other transcripts: non-coding transcript variant (2).
Genome position (GRCh38, 1-based): chr7:114,662,099, G>A. VCF-style: chr7-114662099-G-A. GRCh37 (hg19) VCF-style: chr7-114302154-G-A.
Other names: c.1679G>A, p.Cys560Tyr (NM_001172766.3); c.1757G>A, p.Cys586Tyr (NM_148898.4); c.1733G>A, p.Cys578Tyr (NM_148900.4); short protein forms C560Y, C561Y, C578Y, C586Y.
Identifiers: ClinVar variation 3766004 (VCV003766004.1).
Genomic context (GRCh38, chr7:114,662,099, plus strand): 5'-TTTTTCTTCTCTTCTGTCTGCTTTAGAATGCAGTACGTCATAATCTTAGCCTGCACAAGT[G>A]TTTTGTTCGAGTAGAAAATGTTAAAGGAGCAGTATGGACTGTGGATGAAGTAGAATACCA-3'
Protein context (NP_055306.1, residues 551-571): AVRHNLSLHK[Cys561Tyr]FVRVENVKGA